The following is an entry in ClinVar:

ClinVar aggregate classification (germline): Uncertain significance. Review status: criteria provided, multiple submitters, no conflicts (2 of 4 stars). 2 submissions from 2 submitters: Uncertain significance (2). Last evaluated 2025-01-20.

Conditions:
Developmental and epileptic encephalopathy, 53. Also called: Epileptic encephalopathy, early infantile, 53. Identifiers: MedGen C4479313, MONDO:0033362, OMIM 617389.
Early-onset Parkinson disease 20. Also called: PARKINSON DISEASE 20, AUTOSOMAL RECESSIVE EARLY-ONSET. Identifiers: Orphanet 391411, MedGen C3809824, MONDO:0014233, OMIM 615530.
Inborn genetic diseases. Identifiers: MedGen C0950123, MeSH D030342.

Allele frequency attached by ClinVar (database versions not stated): gnomAD exomes below 0.00001 and 0.00001; ExAC 0.00001; gnomAD 0.00001; TOPMed 0.00001; ESP Exome Variant Server 0.00008.
gnomAD v4.1: 20 of 1,608,350 alleles (0.0012%); highest among the groups gnomAD compares: African/African-American, 0.0054%; no homozygotes.

Submissions (2):

Labcorp Genetics (formerly Invitae), Labcorp
Classification: Uncertain significance for Developmental and epileptic encephalopathy, 53; Early-onset Parkinson disease 20. Last evaluated: 2025-01-20. Review status: criteria provided, single submitter. Criteria: Invitae Variant Classification Sherloc (09022015). Collection method: clinical testing. Allele origin: germline.
Comment: This sequence change replaces arginine, which is basic and polar, with glutamine, which is neutral and polar, at codon 748 of the SYNJ1 protein (p.Arg748Gln). This variant is present in population databases (rs142478967, gnomAD 0.007%). This variant has not been reported in the literature in individuals affected with SYNJ1-related conditions. ClinVar contains an entry for this variant (Variation ID: 1387067). Invitae Evidence Modeling of protein sequence and biophysical properties (such as structural, functional, and spatial information, amino acid conservation, physicochemical variation, residue mobility, and thermodynamic stability) indicates that this missense variant is not expected to disrupt SYNJ1 protein function with a negative predictive value of 80%. Algorithms developed to predict the effect of sequence changes on RNA splicing suggest that this variant may disrupt the consensus splice site. In summary, the available evidence is currently insufficient to determine the role of this variant in disease. Therefore, it has been classified as a Variant of Uncertain Significance.

Ambry Genetics
Classification: Uncertain significance for Inborn genetic diseases. Last evaluated: 2022-04-13. Review status: criteria provided, single submitter. Criteria: Ambry Variant Classification Scheme 2023. Collection method: clinical testing. Allele origin: germline.

NM_203446.3(SYNJ1):c.2126G>A (p.Arg709Gln)

Gene: SYNJ1 (synaptojanin 1; minus strand). Cytogenetic location: 21q22.11.
Variant type: single nucleotide variant.
Coding change: c.2126G>A on transcript NM_203446.3 (MANE Select); coding-DNA position 2126, G replaced by A.
Protein change: p.Arg709Gln; replaces arginine 709 with glutamine.
Molecular consequence: missense variant.
Genome position (GRCh38, 1-based): chr21:32,665,962, C>T on the plus strand (G>A on the coding strand, the complement: SYNJ1 is on the minus strand). VCF-style: chr21-32665962-C-T. GRCh37 (hg19) VCF-style: chr21-34038272-C-T.
Other names: c.2126G>A, p.Arg709Gln (NM_001160302.2); c.2111G>A, p.Arg704Gln (NM_001160306.2); c.2243G>A, p.Arg748Gln (NM_003895.4); short protein forms R704Q, R748Q, R709Q.
Identifiers: ClinVar variation 1387067 (VCV001387067.6), dbSNP rs142478967, ClinGen allele CA10003743.